The following is an entry in ClinVar:

NM_015972.4(POLR1D):c.69dup (p.Lys24fs)

Genes: POLR1D (RNA polymerase I and III subunit D; plus strand), LOC147380392 (uncharacterized LOC147380392; plus strand). Cytogenetic location: 13q12.2.
Variant type: Duplication.
Coding change: c.69dup on transcript NM_015972.4 (MANE Select); coding-DNA position 69, one base duplicated (G; older notation c.69dupG).
Protein change: p.Lys24fs; shifts the reading frame from lysine 24.
Molecular consequence: frameshift variant. On other transcripts: intron variant (2).
Genome position (GRCh38, 1-based): chr13:27,622,917, G duplicated; the last of 2 consecutive G bases (chr13:27,622,916-27,622,917); duplicating either gives the same sequence. VCF-style (leftmost placement, unchanged base first): chr13-27622915-A-AG. GRCh37 (hg19) VCF-style: chr13-28197052-A-AG.
Other names: p.Lys24Glufs*14; c.69dup, p.Lys24fs (NM_001374407.1); c.-59+1777dup (NM_001206559.2); c.26+908dup (NM_152705.3); short protein forms K24fs.
Identifiers: ClinVar variation 4541769 (VCV004541769.1).

ClinVar aggregate classification (germline): Uncertain significance (1 of 4 stars; one submission).

Submission:

Mayo Clinic Laboratories, Mayo Clinic
Classification: Uncertain significance. Last evaluated: 2024-11-26. Review status: criteria provided, single submitter. Criteria: ACMG Guidelines, 2015. Collection method: clinical testing. Allele origin: germline. Observed: 1 variant allele.
Comment: PM2_supporting, PVS1_strong